The following is an entry in ClinVar:

ClinVar aggregate classification (germline): Likely benign (1 of 4 stars; one submission).

Allele frequency attached by ClinVar (database versions not stated): gnomAD exomes 0.00001.
gnomAD v4.1: 7 of 1,211,004 alleles (0.00058%); highest among the groups gnomAD compares: Non-Finnish European, 0.00078%; no homozygotes.

Submission:

CeGaT Center for Human Genetics Tuebingen
Classification: Likely benign. Last evaluated: 2022-09-01. Review status: criteria provided, single submitter. Criteria: CeGaT Center For Human Genetics Tuebingen Variant Classification Criteria Version 2. Collection method: clinical testing. Allele origin: germline. Affected: yes. Observed: 1 variant allele.
Comment: TLR8: PM2:Supporting, BP4, BP7

NM_138636.5(TLR8):c.2886G>A (p.Leu962=)

Genes: TLR8 (toll like receptor 8; plus strand), TLR8-AS1 (TLR8 antisense RNA 1; minus strand). Cytogenetic location: Xp22.2.
Variant type: single nucleotide variant.
Coding change: c.2886G>A on transcript NM_138636.5 (MANE Select); coding-DNA position 2886, G replaced by A.
Protein change: p.Leu962=; no amino-acid change (leucine 962 retained).
Molecular consequence: synonymous variant.
Genome position (GRCh38, 1-based): chrX:12,921,926, G>A. VCF-style: chrX-12921926-G-A. GRCh37 (hg19) VCF-style: chrX-12940045-G-A.
Other names: c.2940G>A, p.Leu980= (NM_016610.4).
Identifiers: ClinVar variation 2660020 (VCV002660020.24), dbSNP rs759025004, ClinGen allele CA326799884.